The following is an entry in ClinVar:

ClinVar aggregate classification (germline): Uncertain significance (1 of 4 stars; one submission).

Conditions:
Retinitis pigmentosa 56 (RP56). Identifiers: Orphanet 791, MedGen C3150819, MONDO:0013314, OMIM 613581.

gnomAD v4.1: 2 of 1,537,690 alleles (0.00013%); highest among the groups gnomAD compares: Non-Finnish European, 0.00018%; no homozygotes.

Submission:

3billion
Classification: Uncertain significance for Retinitis pigmentosa 56. Last evaluated: 2025-05-12. Review status: criteria provided, single submitter. Criteria: ACMG Guidelines, 2015. Collection method: clinical testing. Allele origin: germline. Affected: yes.
Comment: The variant is observed at an extremely low frequency in the gnomAD v4.1.0 dataset (total allele frequency: <0.001%). Predicted Consequence/Location: Intron variant In silico tools predict the variant to alter splicing and produce an abnormal transcript [SpliceAI: 0.66 (>=0.2, moderate evidence for spliceogenicity)]. The variant has been reported as of uncertain significance (ClinVar ID: VCV003775212). Therefore, this variant is classified as VUS according to the recommendation of ACMG/AMP guideline.

NM_016247.4(IMPG2):c.887+3A>G

Gene: IMPG2 (interphotoreceptor matrix proteoglycan 2; minus strand). Cytogenetic location: 3q12.3.
Variant type: single nucleotide variant.
Coding change: c.887+3A>G on transcript NM_016247.4 (MANE Select); 3 bases into the intron after coding-DNA position 887, A replaced by G.
Molecular consequence: intron variant.
Genome position (GRCh38, 1-based): chr3:101,269,512, T>C on the plus strand (A>G on the coding strand, the complement: IMPG2 is on the minus strand). VCF-style: chr3-101269512-T-C. GRCh37 (hg19) VCF-style: chr3-100988356-T-C.
Identifiers: ClinVar variation 3775212 (VCV003775212.2).